The following is an entry in ClinVar:

ClinVar aggregate classification (germline): Conflicting classifications of pathogenicity. Review status: criteria provided, conflicting classifications (1 of 4 stars). 3 submissions from 3 submitters: Uncertain significance (1); Benign (1); Likely benign (1). Last evaluated 2025-09-28.

Conditions:
Emery-Dreifuss muscular dystrophy 5, autosomal dominant (EDMD5). Also called: EMERY-DREIFUSS MUSCULAR DYSTROPHY 5. Identifiers: Orphanet 261, MedGen C2751805, MONDO:0013072, OMIM 612999.

Allele frequency attached by ClinVar (database versions not stated): ExAC 0.00012; gnomAD 0.00016 and 0.00018; gnomAD exomes 0.00018; TOPMed 0.00019; ESP Exome Variant Server 0.00031.
gnomAD v4.1: 753 of 1,614,090 alleles (0.047%); highest among the groups gnomAD compares: Non-Finnish European, 0.062%; no homozygotes.

Submissions (3):

Labcorp Genetics (formerly Invitae), Labcorp
Classification: Likely benign for Emery-Dreifuss muscular dystrophy 5, autosomal dominant. Last evaluated: 2025-09-28. Review status: criteria provided, single submitter. Criteria: Invitae Variant Classification Sherloc (09022015). Collection method: clinical testing. Allele origin: germline.

Illumina Laboratory Services, Illumina
Classification: Benign for Emery-Dreifuss muscular dystrophy 5, autosomal dominant. Last evaluated: 2018-01-13. Review status: criteria provided, single submitter. Criteria: ICSL Variant Classification Criteria 13 December 2019. Collection method: clinical testing. Allele origin: germline.
Comment: This variant was observed in the ICSL laboratory as part of a predisposition screen in an ostensibly healthy population. It had not been previously curated by ICSL or reported in the Human Gene Mutation Database (HGMD: prior to June 1st, 2018), and was therefore a candidate for classification through an automated scoring system. Utilizing variant allele frequency, disease prevalence and penetrance estimates, and inheritance mode, an automated score was calculated to assess if this variant is too frequent to cause the disease. Based on the score and internal cut-off values, a variant classified as benign is not then subjected to further curation. The score for this variant resulted in a classification of benign for this disease.

Eurofins Ntd Llc (ga)
Classification: Uncertain significance. Last evaluated: 2014-12-17. Review status: criteria provided, single submitter. Criteria: EGL Classification Definitions 2015. Collection method: clinical testing. Allele origin: germline. Observed: 3 variant alleles, 3 heterozygotes.

NM_182914.3(SYNE2):c.13377C>G (p.Leu4459=)

Gene: SYNE2 (spectrin repeat containing nuclear envelope protein 2; plus strand). Cytogenetic location: 14q23.2.
Variant type: single nucleotide variant.
Coding change: c.13377C>G on transcript NM_182914.3 (MANE Select); coding-DNA position 13377, C replaced by G.
Protein change: p.Leu4459=; no amino-acid change (leucine 4459 retained).
Molecular consequence: synonymous variant.
Genome position (GRCh38, 1-based): chr14:64,122,382, C>G. VCF-style: chr14-64122382-C-G. GRCh37 (hg19) VCF-style: chr14-64589100-C-G.
Other names: c.13377C>G, p.Leu4459= (NM_015180.6).
Identifiers: ClinVar variation 198644 (VCV000198644.19), dbSNP rs141379692, ClinGen allele CA247422.